The following is an entry in ClinVar:

ClinVar aggregate classification (germline): Uncertain significance (1 of 4 stars; one submission).

Conditions:
SCN10A-related disorder. Also called: SCN10A-related condition.

Submission:

PreventionGenetics, part of Exact Sciences
Classification: Uncertain significance for SCN10A-related condition. Last evaluated: 2026-01-30. Review status: criteria provided, single submitter. Criteria: ACMG Guidelines, 2015. Collection method: clinical testing. Allele origin: germline.
Comment: The SCN10A c.3805-3C>A variant is predicted to interfere with splicing. This variant is predicted to possibly alter splicing based on available splicing prediction programs (Alamut Visual v1.6.1). However, the use of computer prediction programs is not equivalent to functional evidence. To our knowledge, this variant has not been reported in the literature or in a large population database (gnomAD), indicating this variant is rare. At this time, the clinical significance of this variant is uncertain due to the absence of conclusive functional and genetic evidence.

NM_006514.4(SCN10A):c.3805-3C>A

Gene: SCN10A (sodium voltage-gated channel alpha subunit 10; minus strand). Cytogenetic location: 3p22.2.
Variant type: single nucleotide variant.
Coding change: c.3805-3C>A on transcript NM_006514.4 (MANE Select); 3 bases into the intron before coding-DNA position 3805, C replaced by A.
Molecular consequence: intron variant.
Genome position (GRCh38, 1-based): chr3:38,712,448, G>T on the plus strand (C>A on the coding strand, the complement: SCN10A is on the minus strand). VCF-style: chr3-38712448-G-T. GRCh37 (hg19) VCF-style: chr3-38753939-G-T.
Other names: c.3511-3C>A (NM_001293307.2); c.3802-3C>A (NM_001293306.2).
Identifiers: ClinVar variation 5000099 (VCV005000099.1).